The following is an entry in ClinVar:

ClinVar aggregate classification (germline): Uncertain significance. Review status: criteria provided, multiple submitters, no conflicts (2 of 4 stars). 3 submissions from 3 submitters: Uncertain significance (3). Last evaluated 2025-04-12.

Conditions:
Hereditary cancer-predisposing syndrome. Also called: Hereditary Cancer Syndrome; Neoplastic Syndromes, Hereditary; Hereditary neoplastic syndrome; Tumor predisposition. Identifiers: Orphanet 140162, MedGen C0027672, MeSH D009386, MONDO:0015356.
Familial cancer of breast. Also called: Hereditary breast cancer; hereditary breast carcinoma; BREAST CANCER, FAMILIAL. Identifiers: Orphanet 227535, MedGen C0346153, MONDO:0016419, OMIM 114480. Disease mechanism: loss of function.
Ataxia-telangiectasia syndrome (AT). Also called: Cerebello-oculocutaneous telangiectasia; Immunodeficiency with ataxia telangiectasia; Ataxia-telangiectasia, complementation group E; Ataxia-telangiectasia, complementation group D; AT, COMPLEMENTATION GROUP C; ATAXIA-TELANGIECTASIA, COMPLEMENTATION GROUP A. Identifiers: Orphanet 100, MedGen C0004135, MONDO:0008840, OMIM 208900.

Submissions (3):

Ambry Genetics
Classification: Uncertain significance for Hereditary cancer-predisposing syndrome. Last evaluated: 2025-04-12. Review status: criteria provided, single submitter. Criteria: Ambry Variant Classification Scheme 2023. Collection method: clinical testing. Allele origin: germline.
Comment: The p.C541Y variant (also known as c.1622G>A), located in coding exon 10 of the ATM gene, results from a G to A substitution at nucleotide position 1622. The cysteine at codon 541 is replaced by tyrosine, an amino acid with highly dissimilar properties. This amino acid position is well conserved in available vertebrate species. In addition, this alteration is predicted to be deleterious by in silico analysis. Since supporting evidence is limited at this time, the clinical significance of this alteration remains unclear.

Baylor Genetics
Classification: Uncertain significance for Familial cancer of breast. Last evaluated: 2023-07-24. Review status: criteria provided, single submitter. Criteria: ACMG Guidelines, 2015. Collection method: clinical testing. Allele origin: unknown.

Labcorp Genetics (formerly Invitae), Labcorp
Classification: Uncertain significance for Ataxia-telangiectasia syndrome. Last evaluated: 2021-03-27. Review status: criteria provided, single submitter. Criteria: Invitae Variant Classification Sherloc (09022015). Collection method: clinical testing. Allele origin: germline.
Comment: In summary, the available evidence is currently insufficient to determine the role of this variant in disease. Therefore, it has been classified as a Variant of Uncertain Significance. Advanced modeling of protein sequence and biophysical properties (such as structural, functional, and spatial information, amino acid conservation, physicochemical variation, residue mobility, and thermodynamic stability) performed at Invitae indicates that this missense variant is not expected to disrupt ATM protein function. This variant has not been reported in the literature in individuals with ATM-related conditions. ClinVar contains an entry for this variant (Variation ID: 819680). This variant is not present in population databases (ExAC no frequency). This sequence change replaces cysteine with tyrosine at codon 541 of the ATM protein (p.Cys541Tyr). The cysteine residue is moderately conserved and there is a large physicochemical difference between cysteine and tyrosine.

NM_000051.4(ATM):c.1622G>A (p.Cys541Tyr)

Gene: ATM (ATM serine/threonine kinase; plus strand). Cytogenetic location: 11q22.3.
Variant type: single nucleotide variant.
Coding change: c.1622G>A on transcript NM_000051.4 (MANE Select); coding-DNA position 1622, G replaced by A.
Protein change: p.Cys541Tyr; replaces cysteine 541 with tyrosine.
Molecular consequence: missense variant.
Genome position (GRCh38, 1-based): chr11:108,251,851, G>A. VCF-style: chr11-108251851-G-A. GRCh37 (hg19) VCF-style: chr11-108122578-G-A.
Other names: c.1622G>A, p.Cys541Tyr (NM_001351834.2); short protein forms C541Y.
Identifiers: ClinVar variation 819680 (VCV000819680.14), dbSNP rs1555071682, ClinGen allele CA382534497.